The following is an entry in ClinVar:

NM_001384732.1(CPLANE1):c.8985G>T (p.Arg2995Ser)

Gene: CPLANE1 (ciliogenesis and planar polarity effector complex subunit 1; minus strand). Cytogenetic location: 5p13.2.
Variant type: single nucleotide variant.
Coding change: c.8985G>T on transcript NM_001384732.1 (MANE Select); coding-DNA position 8985, G replaced by T.
Protein change: p.Arg2995Ser; replaces arginine 2995 with serine.
Molecular consequence: missense variant.
Genome position (GRCh38, 1-based): chr5:37,122,462, C>A on the plus strand (G>T on the coding strand, the complement: CPLANE1 is on the minus strand). VCF-style: chr5-37122462-C-A. GRCh37 (hg19) VCF-style: chr5-37122564-C-A.
Other names: c.8823G>T, p.Arg2941Ser (NM_023073.4); short protein forms R2941S, R2995S.
Identifiers: ClinVar variation 1401749 (VCV001401749.3), dbSNP rs924779439, ClinGen allele CA117057251.

ClinVar aggregate classification (germline): Uncertain significance (1 of 4 stars; one submission).

Allele frequency attached by ClinVar (database versions not stated): gnomAD 0.00002; TOPMed 0.00002; gnomAD exomes 0.00002.
gnomAD v4.1: 15 of 1,612,784 alleles (0.00093%); highest among the groups gnomAD compares: African/African-American, 0.0013%; no homozygotes.

Submission:

Labcorp Genetics (formerly Invitae), Labcorp
Classification: Uncertain significance. Last evaluated: 2022-08-09. Review status: criteria provided, single submitter. Criteria: Invitae Variant Classification Sherloc (09022015). Collection method: clinical testing. Allele origin: germline.
Comment: This sequence change replaces arginine, which is basic and polar, with serine, which is neutral and polar, at codon 2941 of the CPLANE1 protein (p.Arg2941Ser). This variant is present in population databases (no rsID available, gnomAD 0.004%). This variant has not been reported in the literature in individuals affected with CPLANE1-related conditions. ClinVar contains an entry for this variant (Variation ID: 1401749). Advanced modeling of protein sequence and biophysical properties (such as structural, functional, and spatial information, amino acid conservation, physicochemical variation, residue mobility, and thermodynamic stability) performed at Invitae indicates that this missense variant is not expected to disrupt CPLANE1 protein function. In summary, the available evidence is currently insufficient to determine the role of this variant in disease. Therefore, it has been classified as a Variant of Uncertain Significance.